The following is an entry in ClinVar:

ClinVar aggregate classification (germline): Uncertain significance (1 of 4 stars; one submission).

gnomAD v4.1: 1 of 1,614,146 alleles (0.000062%); highest among the groups gnomAD compares: Non-Finnish European, 0.000085%; no homozygotes.

Submission:

Labcorp Genetics (formerly Invitae), Labcorp
Classification: Uncertain significance. Last evaluated: 2024-11-06. Review status: criteria provided, single submitter. Criteria: Invitae Variant Classification Sherloc (09022015). Collection method: clinical testing. Allele origin: germline.
Comment: This sequence change replaces serine, which is neutral and polar, with asparagine, which is neutral and polar, at codon 2 of the RP1 protein (p.Ser2Asn). This variant is not present in population databases (gnomAD no frequency). This variant has not been reported in the literature in individuals affected with RP1-related conditions. An algorithm developed to predict the effect of missense changes on protein structure and function (PolyPhen-2) suggests that this variant is likely to be disruptive. In summary, the available evidence is currently insufficient to determine the role of this variant in disease. Therefore, it has been classified as a Variant of Uncertain Significance.

NM_006269.2(RP1):c.5G>A (p.Ser2Asn)

Gene: RP1 (RP1 axonemal microtubule associated; plus strand). Cytogenetic location: 8q12.1.
Variant type: single nucleotide variant.
Coding change: c.5G>A on transcript NM_006269.2 (MANE Select); coding-DNA position 5, G replaced by A.
Protein change: p.Ser2Asn; replaces serine 2 with asparagine.
Molecular consequence: missense variant.
Genome position (GRCh38, 1-based): chr8:54,620,971, G>A. VCF-style: chr8-54620971-G-A. GRCh37 (hg19) VCF-style: chr8-55533531-G-A.
Other names: c.5G>A, p.Ser2Asn (NM_001375654.1); short protein forms S2N.
Identifiers: ClinVar variation 3663106 (VCV003663106.2).
Genomic context (GRCh38, chr8:54,620,971, plus strand): 5'-GCTATGGTGCTGTGATTCTGGAGATAATTTTCTTTCTTCTCTAGGTCTCAGCCAAAATGA[G>A]TGATACCCCTTCTACTGGTTTTTCCATCATTCATCCTACGTCTTCTGAAGGTCAAGTTCC-3'
Protein context (NP_006260.1, residues 1-12): M[Ser2Asn]DTPSTGFSII